The following is an entry in ClinVar:

NM_032120.4(RBM48):c.160C>T (p.Pro54Ser)

Gene: RBM48 (RNA binding motif protein 48; plus strand). Cytogenetic location: 7q21.2.
Variant type: single nucleotide variant.
Coding change: c.160C>T on transcript NM_032120.4 (MANE Select); coding-DNA position 160, C replaced by T.
Protein change: p.Pro54Ser; replaces proline 54 with serine.
Molecular consequence: missense variant. On other transcripts: 5 prime UTR variant (1).
Genome position (GRCh38, 1-based): chr7:92,529,524, C>T. VCF-style: chr7-92529524-C-T. GRCh37 (hg19) VCF-style: chr7-92158838-C-T.
Other names: c.160C>T, p.Pro54Ser (NM_001363366.1); c.-530C>T (NM_001363367.1); short protein forms P54S.
Identifiers: ClinVar variation 4742267 (VCV004742267.1).

ClinVar aggregate classification (germline): Uncertain significance (1 of 4 stars; one submission).

gnomAD v4.1: 1 of 1,611,042 alleles (0.000062%); highest among the groups gnomAD compares: Admixed American, 0.0017%; no homozygotes.

Submission:

Labcorp Genetics (formerly Invitae), Labcorp
Classification: Uncertain significance. Last evaluated: 2025-10-07. Review status: criteria provided, single submitter. Criteria: Invitae Variant Classification Sherloc (09022015). Collection method: clinical testing. Allele origin: germline.
Comment: This sequence change replaces proline, which is neutral and non-polar, with serine, which is neutral and polar, at codon 54 of the RBM48 protein (p.Pro54Ser). This variant is not present in population databases (gnomAD no frequency). This variant has not been reported in the literature in individuals affected with RBM48-related conditions. Invitae Evidence Modeling of protein sequence and biophysical properties (such as structural, functional, and spatial information, amino acid conservation, physicochemical variation, residue mobility, and thermodynamic stability) indicates that this missense variant is expected to disrupt RBM48 protein function with a positive predictive value of 80%. In summary, the available evidence is currently insufficient to determine the role of this variant in disease. Therefore, it has been classified as a Variant of Uncertain Significance.